The following is an entry in ClinVar:

ClinVar aggregate classification (germline): Uncertain significance (1 of 4 stars; one submission).

Conditions:
Cyclical neutropenia. Also called: Cyclic Neutropenia; Cyclic hematopoiesis. Identifiers: Orphanet 2686, MedGen C0221023, MONDO:0008090, OMIM 162800, HP:0040289. Disease mechanism: loss of function.
Neutropenia, severe congenital, 1, autosomal dominant. Identifiers: MedGen C1859966, MONDO:0042490, OMIM 202700.

Allele frequency attached by ClinVar (database versions not stated): gnomAD exomes below 0.00001 and 0.00001.

Submission:

Labcorp Genetics (formerly Invitae), Labcorp
Classification: Uncertain significance for Neutropenia, severe congenital, 1, autosomal dominant; Cyclical neutropenia. Last evaluated: 2018-12-14. Review status: criteria provided, single submitter. Criteria: Invitae Variant Classification Sherloc (09022015). Collection method: clinical testing. Allele origin: germline.
Comment: In summary, the available evidence is currently insufficient to determine the role of this variant in disease. Therefore, it has been classified as a Variant of Uncertain Significance. Algorithms developed to predict the effect of missense changes on protein structure and function output the following: SIFT: "Tolerated"; PolyPhen-2: "Benign"; Align-GVGD: "Class C0". The methionine amino acid residue is found in multiple mammalian species, suggesting that this missense change does not adversely affect protein function. These predictions have not been confirmed by published functional studies and their clinical significance is uncertain. However, another variant, p.Val82Met (also known as p.Val53Met) was also found in cis with this variant in the same individual (PMID: 23463630). This variant is also known as p.Val69Met in the literature. This variant is not present in population databases (ExAC no frequency). This sequence change replaces valine with methionine at codon 98 of the ELANE protein (p.Val98Met). The valine residue is weakly conserved and there is a small physicochemical difference between valine and methionine.

Literature cited by the submitters: PubMed 23463630.

NM_001972.4(ELANE):c.292G>A (p.Val98Met)

Gene: ELANE (elastase, neutrophil expressed; plus strand). Cytogenetic location: 19p13.3.
Variant type: single nucleotide variant.
Coding change: c.292G>A on transcript NM_001972.4 (MANE Select); coding-DNA position 292, G replaced by A.
Protein change: p.Val98Met; replaces valine 98 with methionine.
Molecular consequence: missense variant.
Genome position (GRCh38, 1-based): chr19:853,329, G>A. VCF-style: chr19-853329-G-A. GRCh37 (hg19) VCF-style: chr19-853329-G-A.
Other names: c.292G>A (LRG_57t1); short protein forms V98M.
Identifiers: ClinVar variation 662721 (VCV000662721.9), dbSNP rs267606781, ClinGen allele CA402916032.